The following is an entry in ClinVar:

ClinVar aggregate classification (germline): Uncertain significance. Review status: criteria provided, multiple submitters, no conflicts (2 of 4 stars). 2 submissions from 2 submitters: Uncertain significance (2). Last evaluated 2025-09-25.

Allele frequency attached by ClinVar (database versions not stated): gnomAD exomes below 0.00001; TOPMed 0.00001.
gnomAD v4.1: 2 of 1,614,186 alleles (0.00012%); highest among the groups gnomAD compares: Admixed American, 0.0033%; no homozygotes.

Submissions (2):

Labcorp Genetics (formerly Invitae), Labcorp
Classification: Uncertain significance. Last evaluated: 2025-09-25. Review status: criteria provided, single submitter. Criteria: Invitae Variant Classification Sherloc (09022015). Collection method: clinical testing. Allele origin: germline.
Comment: This sequence change replaces asparagine, which is neutral and polar, with serine, which is neutral and polar, at codon 493 of the NPAT protein (p.Asn493Ser). This variant is present in population databases (no rsID available, gnomAD 0.006%). This variant has not been reported in the literature in individuals affected with NPAT-related conditions. ClinVar contains an entry for this variant (Variation ID: 2475525). An algorithm developed to predict the effect of missense changes on protein structure and function outputs the following: PolyPhen-2: "Benign". The serine amino acid residue is found in multiple mammalian species, which suggests that this missense change does not adversely affect protein function. In summary, the available evidence is currently insufficient to determine the role of this variant in disease. Therefore, it has been classified as a Variant of Uncertain Significance.

Ambry Genetics
Classification: Uncertain significance. Last evaluated: 2023-01-11. Review status: criteria provided, single submitter. Criteria: Ambry Variant Classification Scheme 2023. Collection method: clinical testing. Allele origin: germline.

NM_002519.3(NPAT):c.1478A>G (p.Asn493Ser)

Gene: NPAT (nuclear protein, coactivator of histone transcription; minus strand). Cytogenetic location: 11q22.3.
Variant type: single nucleotide variant.
Coding change: c.1478A>G on transcript NM_002519.3 (MANE Select); coding-DNA position 1478, A replaced by G.
Protein change: p.Asn493Ser; replaces asparagine 493 with serine.
Molecular consequence: missense variant.
Genome position (GRCh38, 1-based): chr11:108,173,506, T>C on the plus strand (A>G on the coding strand, the complement: NPAT is on the minus strand). VCF-style: chr11-108173506-T-C. GRCh37 (hg19) VCF-style: chr11-108044233-T-C.
Other names: c.1478A>G, p.Asn493Ser (NM_001321307.1); short protein forms N493S.
Identifiers: ClinVar variation 2475525 (VCV002475525.3), dbSNP rs1355888777, ClinGen allele CA382515094.